The following is an entry in ClinVar:

NM_001080517.3(SETD5):c.1793C>G (p.Ala598Gly)

Gene: SETD5 (SET domain containing 5; plus strand). Cytogenetic location: 3p25.3.
Variant type: single nucleotide variant.
Coding change: c.1793C>G on transcript NM_001080517.3 (MANE Select); coding-DNA position 1793, C replaced by G.
Protein change: p.Ala598Gly; replaces alanine 598 with glycine.
Molecular consequence: missense variant.
Genome position (GRCh38, 1-based): chr3:9,447,696, C>G. VCF-style: chr3-9447696-C-G. GRCh37 (hg19) VCF-style: chr3-9489380-C-G.
Other names: c.1499C>G, p.Ala500Gly (NM_001292043.2, NM_001349451.2); c.1889C>G, p.Ala630Gly (NM_001437633.1); c.1850C>G, p.Ala617Gly (NM_001437635.1); c.1793C>G, p.Ala598Gly (NM_001437643.1); c.1832C>G, p.Ala611Gly (NM_001437701.1); short protein forms A617G, A611G, A598G, A630G, A500G.
Identifiers: ClinVar variation 4980008 (VCV004980008.1).

ClinVar aggregate classification (germline): Uncertain significance (1 of 4 stars; one submission).

Conditions:
SETD5-related disorder. Also called: SETD5-related disorders; SETD5-related condition.

gnomAD v4.1: 1 of 1,613,710 alleles (0.000062%); highest among the groups gnomAD compares: Admixed American, 0.0017%; no homozygotes.

Submission:

PreventionGenetics, part of Exact Sciences
Classification: Uncertain significance for SETD5-related condition. Last evaluated: 2024-12-03. Review status: criteria provided, single submitter. Criteria: ACMG Guidelines, 2015. Collection method: clinical testing. Allele origin: germline.
Comment: The SETD5 c.1793C>G variant is predicted to result in the amino acid substitution p.Ala598Gly. To our knowledge, this variant has not been reported in the literature. This variant is reported in 0.0029% of alleles in individuals of Latino descent in gnomAD. At this time, the clinical significance of this variant is uncertain due to the absence of conclusive functional and genetic evidence.